The following is an entry in ClinVar:

ClinVar aggregate classification (germline): Likely benign. Review status: criteria provided, multiple submitters, no conflicts (2 of 4 stars). 6 submissions from 6 submitters: Likely benign (5). 1 of the submissions does not count toward it. Last evaluated 2025-12-23.

Conditions:
Fanconi anemia (FA). Also called: Fanconi's anemia. Identifiers: Orphanet 84, MedGen C0015625, MeSH D005199, MONDO:0019391.
Inborn genetic diseases. Identifiers: MedGen C0950123, MeSH D030342.

Allele frequency attached by ClinVar (database versions not stated): TOPMed 0.00002; gnomAD 0.00010.
gnomAD v4.1: 45 of 1,613,876 alleles (0.0028%); highest among the groups gnomAD compares: Non-Finnish European, 0.0036%; no homozygotes.

Submissions (6):

Labcorp Genetics (formerly Invitae), Labcorp
Classification: Likely benign for Fanconi anemia. Last evaluated: 2025-12-23. Review status: criteria provided, single submitter. Criteria: Invitae Variant Classification Sherloc (09022015). Collection method: clinical testing. Allele origin: germline.

CeGaT Center for Human Genetics Tuebingen
Classification: Likely benign. Last evaluated: 2025-06-01. Review status: criteria provided, single submitter. Criteria: CeGaT Center For Human Genetics Tuebingen Variant Classification Criteria Version 2. Collection method: clinical testing. Allele origin: germline. Affected: yes. Observed: 3 variant alleles.
Comment: FANCA: BP4, BP7

Ambry Genetics
Classification: Likely benign for Inborn genetic diseases. Last evaluated: 2024-11-18. Review status: criteria provided, single submitter. Criteria: Ambry Variant Classification Scheme 2023. Collection method: clinical testing. Allele origin: germline.

Blueprint Genetics
Classification: Likely benign. Last evaluated: 2024-10-23. Review status: criteria provided, single submitter. Criteria: ACMG Guidelines, 2015. Collection method: clinical testing. Allele origin: germline.

Sema4
Classification: Likely benign for Fanconi anemia. Last evaluated: 2021-11-15. Review status: criteria provided, single submitter. Criteria: Sema4 Curation Guidelines. Collection method: curation. Allele origin: germline.

Natera, Inc.
Classification: Likely benign for Fanconi anemia. Last evaluated: 2020-01-30. Review status: no assertion criteria provided. Collection method: clinical testing. Allele origin: germline. Not counted in ClinVar's aggregate classification.

NM_000135.4(FANCA):c.1614G>A (p.Gly538=)

Gene: FANCA (FA complementation group A; minus strand). Cytogenetic location: 16q24.3.
Variant type: single nucleotide variant.
Coding change: c.1614G>A on transcript NM_000135.4 (MANE Select); coding-DNA position 1614, G replaced by A.
Protein change: p.Gly538=; no amino-acid change (glycine 538 retained).
Molecular consequence: synonymous variant.
Genome position (GRCh38, 1-based): chr16:89,782,871, C>T on the plus strand (G>A on the coding strand, the complement: FANCA is on the minus strand). VCF-style: chr16-89782871-C-T. GRCh37 (hg19) VCF-style: chr16-89849279-C-T.
Other names: c.1614G>A, p.Gly538= (NM_001286167.3).
Identifiers: ClinVar variation 701196 (VCV000701196.40), dbSNP rs747421581, ClinGen allele CA286578860.